The following is an entry in ClinVar:

NM_000540.3(RYR1):c.2730C>T (p.His910=)

Gene: RYR1 (ryanodine receptor 1; plus strand). Cytogenetic location: 19q13.2.
Variant type: single nucleotide variant.
Coding change: c.2730C>T on transcript NM_000540.3 (MANE Select); coding-DNA position 2730, C replaced by T.
Protein change: p.His910=; no amino-acid change (histidine 910 retained).
Molecular consequence: synonymous variant.
Genome position (GRCh38, 1-based): chr19:38,463,794, C>T. VCF-style: chr19-38463794-C-T. GRCh37 (hg19) VCF-style: chr19-38954434-C-T.
Other names: c.2730C>T, p.His910= (NM_001042723.2).
Identifiers: ClinVar variation 2898007 (VCV002898007.4), dbSNP rs759968704, ClinGen allele CA063918.

ClinVar aggregate classification (germline): Likely benign. Review status: criteria provided, multiple submitters, no conflicts (2 of 4 stars). 2 submissions from 2 submitters: Likely benign (2). Last evaluated 2023-11-02.

Conditions:
Malignant hyperthermia, susceptibility to, 1 (MHS1). Also called: Anesthesia related hyperthermia; Malignant hyperpyrexia; Fulminating hyperpyrexia; Pharmacogenic myopathy; RYR1-Related Malignant Hyperthermia Susceptibility; Malignant hyperthermia suceptibility 1. Identifiers: Orphanet 423, MedGen C2930980, MONDO:0007783, OMIM 145600.
RYR1-related disorder. Also called: RYR1-related disorders; RYR1-related condition. Identifiers: MedGen CN239331.

Allele frequency attached by ClinVar (database versions not stated): gnomAD exomes below 0.00001; ExAC 0.00001.
gnomAD v4.1: 3 of 1,613,996 alleles (0.00019%); highest among the groups gnomAD compares: East Asian, 0.0045%; no homozygotes.

Submissions (2):

All of Us Research Program, National Institutes of Health
Classification: Likely benign for Malignant hyperthermia, susceptibility to, 1. Last evaluated: 2023-11-02. Review status: criteria provided, single submitter. Criteria: ACMG Guidelines, 2015. Collection method: clinical testing. Allele origin: germline. Inheritance: Autosomal dominant inheritance. Observed: 1 variant allele, 1 heterozygote.
Comment: This study involves interpretation of variants in research participants for the purpose of population health screening. Participant phenotype was not available at the time of variant classification. Additional details can be found in publication PMID: 35346344, PMCID: PMC8962531

Labcorp Genetics (formerly Invitae), Labcorp
Classification: Likely benign for RYR1-related disorder. Last evaluated: 2023-06-04. Review status: criteria provided, single submitter. Criteria: Invitae Variant Classification Sherloc (09022015). Collection method: clinical testing. Allele origin: germline.